The following is an entry in ClinVar:

NM_031310.3(PLVAP):c.1153G>A (p.Ala385Thr)

Gene: PLVAP (plasmalemma vesicle associated protein; minus strand). Cytogenetic location: 19p13.11.
Variant type: single nucleotide variant.
Coding change: c.1153G>A on transcript NM_031310.3 (MANE Select); coding-DNA position 1153, G replaced by A.
Protein change: p.Ala385Thr; replaces alanine 385 with threonine.
Molecular consequence: missense variant.
Genome position (GRCh38, 1-based): chr19:17,365,312, C>T on the plus strand (G>A on the coding strand, the complement: PLVAP is on the minus strand). VCF-style: chr19-17365312-C-T. GRCh37 (hg19) VCF-style: chr19-17476121-C-T.
Other names: c.1153G>A (NM_031310.1); short protein forms A385T.
Identifiers: ClinVar variation 2092595 (VCV002092595.5), dbSNP rs2145722668, ClinGen allele CA404672089.
Genomic context (GRCh38, chr19:17,365,312, plus strand): 5'-CACTGCAGCCTCCCTCTGGGGCCTGCAAGCCCACCTTGGTCTTGATGCAGGTGTCCAGGG[C>T]TGAGTTTCTGATGGCCAGCTCCATCCTGAGCTGCTCCGCCTCCCTCTTCTTCTCTTCCAG-3'
Protein context (NP_112600.1, residues 375-395): LRMELAIRNS[Ala385Thr]LDTCIKTKSQ

ClinVar aggregate classification (germline): Uncertain significance. Review status: criteria provided, multiple submitters, no conflicts (2 of 4 stars). 2 submissions from 2 submitters: Uncertain significance (2). Last evaluated 2025-05-28.

Conditions:
Inborn genetic diseases. Identifiers: MedGen C0950123, MeSH D030342.

Submissions (2):

Ambry Genetics
Classification: Uncertain significance for Inborn genetic diseases. Last evaluated: 2025-05-28. Review status: criteria provided, single submitter. Criteria: Ambry Variant Classification Scheme 2023. Collection method: clinical testing. Allele origin: germline.

Labcorp Genetics (formerly Invitae), Labcorp
Classification: Uncertain significance. Last evaluated: 2022-02-03. Review status: criteria provided, single submitter. Criteria: Invitae Variant Classification Sherloc (09022015). Collection method: clinical testing. Allele origin: germline.
Comment: This sequence change replaces alanine, which is neutral and non-polar, with threonine, which is neutral and polar, at codon 385 of the PLVAP protein (p.Ala385Thr). This variant is not present in population databases (gnomAD no frequency). This variant has not been reported in the literature in individuals affected with PLVAP-related conditions. Algorithms developed to predict the effect of missense changes on protein structure and function output the following: SIFT: "Tolerated"; PolyPhen-2: "Benign"; Align-GVGD: "Class C0". The threonine amino acid residue is found in multiple mammalian species, which suggests that this missense change does not adversely affect protein function. In summary, the available evidence is currently insufficient to determine the role of this variant in disease. Therefore, it has been classified as a Variant of Uncertain Significance.